The following is an entry in ClinVar:

NM_000521.4(HEXB):c.257_268delinsGC (p.Thr86fs)

Gene: HEXB (hexosaminidase subunit beta; plus strand). Cytogenetic location: 5q13.3.
Variant type: Indel.
Coding change: c.257_268delinsGC on transcript NM_000521.4 (MANE Select); coding-DNA positions 257 to 268, CGGCGGGCCCCT replaced by GC.
Protein change: p.Thr86fs; shifts the reading frame from threonine 86.
Molecular consequence: frameshift variant. On other transcripts: intron variant (1).
Genome position (GRCh38, 1-based): chr5:74,685,517-74,685,528, CGGCGGGCCCCT replaced by GC. VCF-style: chr5-74685517-CGGCGGGCCCCT-GC. GRCh37 (hg19) VCF-style: chr5-73981342-CGGCGGGCCCCT-GC.
Other names: c.257_268delinsGC (NM_000521.3); c.-376-3811_-376-3800delinsGC (NM_001292004.2); short protein forms T86fs.
Identifiers: ClinVar variation 3592756 (VCV003592756.2).

ClinVar aggregate classification (germline): Likely pathogenic. Review status: criteria provided, multiple submitters, no conflicts (2 of 4 stars). 2 submissions from 2 submitters: Likely pathogenic (2). Last evaluated 2025-04-14.

Conditions:
Sandhoff disease. Also called: HEXOSAMINIDASES A AND B DEFICIENCY; Beta-hexosaminidase-beta-subunit deficiency; GM2 gangliosidosis, type 2; Total hexosaminidase deficiency; Sandhoff-Jatzkewitz-Pilz disease; GM2-GANGLIOSIDOSIS, TYPE II. Identifiers: Orphanet 796, MedGen C0036161, MONDO:0010006, OMIM 268800.

Submissions (2):

Natera, Inc.
Classification: Likely pathogenic for Sandhoff disease. Last evaluated: 2025-04-14. Review status: criteria provided, single submitter. Criteria: Natera Variant Classification Schema (03/2026). Collection method: clinical testing. Allele origin: germline.
Comment: The c.257_268delinsGC variant in HEXB is a frameshift variant predicted to shift the reading frame beginning at codon 86 and leads to a stop codon 65 codons downstream. This variant is expected to result in nonsense mediated decay, truncation, or a dysfunctional protein product. This variant is rare in the general population with a frequency below the threshold expected for the associated phenotype(s). Given the available evidence, this variant is classified as Likely Pathogenic.

Fulgent Genetics
Classification: Likely pathogenic for Sandhoff disease. Last evaluated: 2024-03-18. Review status: criteria provided, single submitter. Criteria: ACMG Guidelines, 2015. Collection method: clinical testing. Allele origin: germline.